The following is an entry in ClinVar:

NM_004984.4(KIF5A):c.22T>C (p.Cys8Arg)

Gene: KIF5A (kinesin family member 5A; plus strand). Cytogenetic location: 12q13.3.
Variant type: single nucleotide variant.
Coding change: c.22T>C on transcript NM_004984.4 (MANE Select); coding-DNA position 22, T replaced by C.
Protein change: p.Cys8Arg; replaces cysteine 8 with arginine.
Molecular consequence: missense variant.
Genome position (GRCh38, 1-based): chr12:57,550,293, T>C. VCF-style: chr12-57550293-T-C. GRCh37 (hg19) VCF-style: chr12-57944076-T-C.
Other names: c.22T>C, p.Cys8Arg (NM_001354705.2); short protein forms C8R.
Identifiers: ClinVar variation 1719975 (VCV001719975.5), dbSNP rs1881529054, ClinGen allele CA385495695.

ClinVar aggregate classification (germline): Uncertain significance (1 of 4 stars; one submission).

Conditions:
Spastic paraplegia. Identifiers: MedGen C0037772, HP:0001258.

Submission:

Labcorp Genetics (formerly Invitae), Labcorp
Classification: Uncertain significance for Spastic paraplegia. Last evaluated: 2023-11-27. Review status: criteria provided, single submitter. Criteria: Invitae Variant Classification Sherloc (09022015). Collection method: clinical testing. Allele origin: germline.
Comment: This sequence change replaces cysteine, which is neutral and slightly polar, with arginine, which is basic and polar, at codon 8 of the KIF5A protein (p.Cys8Arg). This variant is not present in population databases (gnomAD no frequency). This variant has not been reported in the literature in individuals affected with KIF5A-related conditions. ClinVar contains an entry for this variant (Variation ID: 1719975). Advanced modeling of protein sequence and biophysical properties (such as structural, functional, and spatial information, amino acid conservation, physicochemical variation, residue mobility, and thermodynamic stability) has been performed at Invitae for this missense variant, however the output from this modeling did not meet the statistical confidence thresholds required to predict the impact of this variant on KIF5A protein function. In summary, the available evidence is currently insufficient to determine the role of this variant in disease. Therefore, it has been classified as a Variant of Uncertain Significance.